The following is an entry in ClinVar:

NM_015459.5(ATL3):c.340C>A (p.Pro114Thr)

Genes: ATL3 (atlastin GTPase 3; minus strand), LNCROPM (lncRNA regulator of PLAAT3 mediated phospholipid metabolism; plus strand). Cytogenetic location: 11q13.1.
Variant type: single nucleotide variant.
Coding change: c.340C>A on transcript NM_015459.5 (MANE Select); coding-DNA position 340, C replaced by A.
Protein change: p.Pro114Thr; replaces proline 114 with threonine.
Molecular consequence: missense variant.
Genome position (GRCh38, 1-based): chr11:63,658,826, G>T on the plus strand (C>A on the coding strand, the complement: ATL3 is on the minus strand). VCF-style: chr11-63658826-G-T. GRCh37 (hg19) VCF-style: chr11-63426298-G-T.
Other names: c.286C>A, p.Pro96Thr (NM_001290048.2); short protein forms P96T, P114T.
Identifiers: ClinVar variation 1731156 (VCV001731156.2), dbSNP rs1170005735, ClinGen allele CA381030172.
Genomic context (GRCh38, chr11:63,658,826, plus strand): 5'-TCCCACCTGGCTTCTCCACAGTGAAAACTTCACTCCAGATTTGAATCCCAGTGGTTTCTG[G>T]ATCAGATCCCCCTCTCCAGGAAAATCCTGTTAACGGTTCTTCTGGGTCACCCAACCAATT-3'
Protein context (NP_056274.3, residues 104-124): TGFSWRGGSD[Pro114Thr]ETTGIQIWSE

ClinVar aggregate classification (germline): Uncertain significance (1 of 4 stars; one submission).

Conditions:
Inborn genetic diseases. Identifiers: MedGen C0950123, MeSH D030342.

Allele frequency attached by ClinVar (database versions not stated): TOPMed below 0.00001.

Submission:

Ambry Genetics
Classification: Uncertain significance for Inborn genetic diseases. Last evaluated: 2021-08-04. Review status: criteria provided, single submitter. Criteria: Ambry Variant Classification Scheme 2023. Collection method: clinical testing. Allele origin: germline.
Comment: The p.P114T variant (also known as c.340C>A), located in coding exon 3 of the ATL3 gene, results from a C to A substitution at nucleotide position 340. The proline at codon 114 is replaced by threonine, an amino acid with highly similar properties. This amino acid position is conserved. In addition, the in silico prediction for this alteration is inconclusive. Since supporting evidence is limited at this time, the clinical significance of this alteration remains unclear.